The following is an entry in ClinVar:

ClinVar aggregate classification (germline): Benign/Likely benign. Review status: criteria provided, multiple submitters, no conflicts (2 of 4 stars). 15 submissions from 15 submitters: Benign (5); Likely benign (8). 2 of the submissions do not count toward it. Last evaluated 2026-09-01.

Conditions:
BAP1-related disorder. Also called: BAP1-related condition.
Hereditary cancer-predisposing syndrome. Also called: Neoplastic Syndromes, Hereditary; Tumor predisposition; Hereditary neoplastic syndrome; Hereditary Cancer Syndrome. Identifiers: Orphanet 140162, MedGen C0027672, MeSH D009386, MONDO:0015356.
BAP1-related tumor predisposition syndrome (TPDS1). Also called: TUMOR PREDISPOSITION SYNDROME 1; Tumor susceptibility linked to germline BAP1 mutations; COMMON Syndrome; BAP1 tumor predisposition syndrome. Identifiers: Orphanet 289539, MedGen C3280492, MONDO:0013692, OMIM 614327.

Allele frequency attached by ClinVar (database versions not stated): gnomAD 0.00009 and 0.00021; ESP Exome Variant Server 0.00015; TOPMed 0.00021; gnomAD exomes 0.00038 and 0.00078; 1000 Genomes Project 0.00060; 1000 Genomes Project 30x 0.00062; ExAC 0.00088.

Submissions (15):

CeGaT Center for Human Genetics Tuebingen
Classification: Likely benign. Last evaluated: 2026-09-01. Review status: criteria provided, single submitter. Criteria: CeGaT Center For Human Genetics Tuebingen Variant Classification Criteria Version 2. Collection method: clinical testing. Allele origin: germline. Affected: yes. Observed: 1 variant allele.
Comment: BAP1: PP2, BS1

Labcorp Genetics (formerly Invitae), Labcorp
Classification: Benign for BAP1-related tumor predisposition syndrome. Last evaluated: 2026-02-03. Review status: criteria provided, single submitter. Criteria: Invitae Variant Classification Sherloc (09022015). Collection method: clinical testing. Allele origin: germline.

Center for Genomic Medicine, Rigshospitalet, Copenhagen University Hospital
Classification: Likely benign. Last evaluated: 2025-12-29. Review status: criteria provided, single submitter. Criteria: ACMG Guidelines, 2015. Collection method: clinical testing. Allele origin: germline.

Blueprint Genetics
Classification: Likely benign. Last evaluated: 2024-10-16. Review status: criteria provided, single submitter. Criteria: ACMG Guidelines, 2015. Collection method: clinical testing. Allele origin: germline.

Color Diagnostics, LLC DBA Color Health
Classification: Benign for Hereditary cancer-predisposing syndrome. Last evaluated: 2024-09-19. Review status: criteria provided, single submitter. Criteria: ACMG Guidelines, 2015. Collection method: clinical testing. Allele origin: germline.

Myriad Genetics, Inc.
Classification: Likely benign for BAP1-related tumor predisposition syndrome. Last evaluated: 2024-07-11. Review status: criteria provided, single submitter. Criteria: Myriad Autosomal Dominant, Autosomal Recessive and X-Linked Classification Criteria (2023). Collection method: clinical testing. Allele origin: unknown.
Comment: This variant is considered likely benign. This variant has been observed at a population frequency that is significantly greater than expected given the associated disease prevalence and penetrance.

Department of Pathology and Laboratory Medicine, Sinai Health System
Classification: Likely benign for BAP1-related tumor predisposition syndrome. Last evaluated: 2024-06-21. Review status: criteria provided, single submitter. Criteria: ACMG Guidelines, 2015. Collection method: clinical testing. Allele origin: germline. Affected: yes.

Mendelics
Classification: Benign. Last evaluated: 2022-12-13. Review status: criteria provided, single submitter. Criteria: Mendelics Assertion Criteria 2017. Collection method: clinical testing. Allele origin: unknown.

Sema4
Classification: Likely benign for Hereditary cancer-predisposing syndrome. Last evaluated: 2021-12-05. Review status: criteria provided, single submitter. Criteria: Sema4 Curation Guidelines. Collection method: curation. Allele origin: germline.

Quest Diagnostics Nichols Institute San Juan Capistrano
Classification: Benign. Last evaluated: 2021-05-12. Review status: criteria provided, single submitter. Criteria: Quest Diagnostics criteria. Collection method: clinical testing. Allele origin: unknown.

GeneDx
Classification: Likely benign. Last evaluated: 2020-01-24. Review status: criteria provided, single submitter. Criteria: GeneDx Variant Classification Process June 2021. Collection method: clinical testing. Allele origin: germline. Affected: yes.
Comment: In silico analysis, which includes protein predictors and evolutionary conservation, supports a deleterious effect; This variant is associated with the following publications: (PMID: 24728327, 23709298, 26166446, 22683710, 26554828, 33240524)

Ambry Genetics
Classification: Likely benign for Hereditary cancer-predisposing syndrome. Last evaluated: 2018-06-28. Review status: criteria provided, single submitter. Criteria: Ambry Variant Classification Scheme 2023. Collection method: clinical testing. Allele origin: germline.

Illumina Laboratory Services, Illumina
Classification: Benign for BAP1-related tumor predisposition syndrome. Last evaluated: 2018-01-13. Review status: criteria provided, single submitter. Criteria: ICSL Variant Classification Criteria 13 December 2019. Collection method: clinical testing. Allele origin: germline.
Comment: This variant was observed in the ICSL laboratory as part of a predisposition screen in an ostensibly healthy population. It had not been previously curated by ICSL or reported in the Human Gene Mutation Database (HGMD: prior to June 1st, 2018), and was therefore a candidate for classification through an automated scoring system. Utilizing variant allele frequency, disease prevalence and penetrance estimates, and inheritance mode, an automated score was calculated to assess if this variant is too frequent to cause the disease. Based on the score and internal cut-off values, a variant classified as benign is not then subjected to further curation. The score for this variant resulted in a classification of benign for this disease.

PreventionGenetics, part of Exact Sciences
Classification: Benign for BAP1-related condition. Last evaluated: 2019-09-17. Review status: no assertion criteria provided. Collection method: clinical testing. Allele origin: germline. Not counted in ClinVar's aggregate classification.
Comment: This variant is classified as benign based on ACMG/AMP sequence variant interpretation guidelines (Richards et al. 2015 PMID: 25741868, with internal and published modifications).

ITMI
No classification provided. Condition: AllHighlyPenetrant. Last evaluated: 2013-09-19. Review status: no classification provided. Collection method: reference population. Allele origin: germline. Not counted in ClinVar's aggregate classification.
Comment: Please see associated publication for description of ethnicities

Literature cited by the submitters: PubMed 26554828 (cited by Department of Pathology and Laboratory Medicine, Sinai Health System); PubMed 23709298 (cited by 3 submitters); PubMed 26166446 (cited by Quest Diagnostics Nichols Institute San Juan Capistrano and Ambry Genetics); PubMed 24728327 (cited by Quest Diagnostics Nichols Institute San Juan Capistrano and ITMI); PubMed 22683710 (cited by Quest Diagnostics Nichols Institute San Juan Capistrano and Ambry Genetics).

NM_004656.4(BAP1):c.121G>A (p.Gly41Ser)

Gene: BAP1 (BRCA1 associated deubiquitinase 1; minus strand). Cytogenetic location: 3p21.1.
Variant type: single nucleotide variant.
Coding change: c.121G>A on transcript NM_004656.4 (MANE Select); coding-DNA position 121, G replaced by A.
Protein change: p.Gly41Ser; replaces glycine 41 with serine.
Molecular consequence: missense variant.
Genome position (GRCh38, 1-based): chr3:52,409,555, C>T on the plus strand (G>A on the coding strand, the complement: BAP1 is on the minus strand). VCF-style: chr3-52409555-C-T. GRCh37 (hg19) VCF-style: chr3-52443571-C-T.
Other names: short protein forms G41S.
Identifiers: ClinVar variation 133667 (VCV000133667.47), dbSNP rs372586694, ClinGen allele CA157262.
Genomic context (GRCh38, chr3:52,409,555, plus strand): 5'-TCTGGGACCTTCCCCAGCACTCTGGGTGTAAGGGGCAGCCCTGGTGTACAGCCACTCACC[C>T]CTGACATTTGCTCTGAAGGTCGTAGATCTCCTCCACTTGCACCCCCTTGACACCTGCGAT-3'
Protein context (NP_004647.1, residues 31-51): EIYDLQSKCQ[Gly41Ser]PVYGFIFLFK